The following is an entry in ClinVar:

NM_000094.4(COL7A1):c.5259C>T (p.Pro1753=)

Gene: COL7A1 (collagen type VII alpha 1 chain; minus strand). Cytogenetic location: 3p21.31.
Variant type: single nucleotide variant.
Coding change: c.5259C>T on transcript NM_000094.4 (MANE Select); coding-DNA position 5259, C replaced by T.
Protein change: p.Pro1753=; no amino-acid change (proline 1753 retained).
Molecular consequence: synonymous variant.
Genome position (GRCh38, 1-based): chr3:48,579,492, G>A on the plus strand (C>T on the coding strand, the complement: COL7A1 is on the minus strand). VCF-style: chr3-48579492-G-A. GRCh37 (hg19) VCF-style: chr3-48616925-G-A.
Identifiers: ClinVar variation 711881 (VCV000711881.40), dbSNP rs151261530, ClinGen allele CA2379591.
Genomic context (GRCh38, chr3:48,579,492, plus strand): 5'-TGAGGGTAAGATGGGGACTTGGCAGACGGGGCAAAGTGCATCACTCACCTGTGGGCCTGG[G>A]GGTCCCCGAAACCCTTCAATGCCCTGAGGATAGGGGAGGAAGAAATCAGAGCAGGCCCTC-3'
Protein context (NP_000085.1, residues 1743-1763): GERGIEGFRG[Pro1753=]PGPQGDPGVR

ClinVar aggregate classification (germline): Benign/Likely benign. Review status: criteria provided, multiple submitters, no conflicts (2 of 4 stars). 6 submissions from 6 submitters: Benign (1); Likely benign (4). 1 of the submissions does not count toward it. Last evaluated 2026-02-01.

Conditions:
Epidermolysis bullosa dystrophica. Also called: Dystrophic epidermolysis bullosa, Hallopeau-Siemens type (formerly); Dystrophic epidermolysis bullosa. Identifiers: Orphanet 303, MedGen C0079294, MONDO:0006543.

Allele frequency attached by ClinVar (database versions not stated): gnomAD exomes 0.00072; ExAC 0.00089; 1000 Genomes Project 30x 0.00234; gnomAD 0.00255 and 0.00267; 1000 Genomes Project 0.00260; TOPMed 0.00303; ESP Exome Variant Server 0.00354.

Submissions (6):

CeGaT Center for Human Genetics Tuebingen
Classification: Likely benign. Last evaluated: 2026-02-01. Review status: criteria provided, single submitter. Criteria: CeGaT Center For Human Genetics Tuebingen Variant Classification Criteria Version 2. Collection method: clinical testing. Allele origin: germline. Affected: yes. Observed: 3 variant alleles.
Comment: COL7A1: BP4, BP7

Labcorp Genetics (formerly Invitae), Labcorp
Classification: Benign. Last evaluated: 2026-01-31. Review status: criteria provided, single submitter. Criteria: Invitae Variant Classification Sherloc (09022015). Collection method: clinical testing. Allele origin: germline.

Blueprint Genetics
Classification: Likely benign. Last evaluated: 2024-10-23. Review status: criteria provided, single submitter. Criteria: ACMG Guidelines, 2015. Collection method: clinical testing. Allele origin: germline.

Illumina Laboratory Services, Illumina
Classification: Likely benign for Dystrophic epidermolysis bullosa. Last evaluated: 2018-01-13. Review status: criteria provided, single submitter. Criteria: ICSL Variant Classification Criteria 13 December 2019. Collection method: clinical testing. Allele origin: germline.
Comment: This variant was observed in the ICSL laboratory as part of a predisposition screen in an ostensibly healthy population. It had not been previously curated by ICSL or reported in the Human Gene Mutation Database (HGMD: prior to June 1st, 2018), and was therefore a candidate for classification through an automated scoring system. Utilizing variant allele frequency, disease prevalence and penetrance estimates, and inheritance mode, an automated score was calculated to assess if this variant is too frequent to cause the disease. Based on the score and internal cut-off values, a variant classified as likely benign is not then subjected to further curation. The score for this variant resulted in a classification of likely benign for this disease.

Breakthrough Genomics
Classification: Likely benign. Review status: criteria provided, single submitter. Criteria: ACMG Guidelines, 2015. Collection method: not provided. Allele origin: germline. Inheritance: Autosomal recessive inheritance. Affected: yes.

Natera, Inc.
Classification: Uncertain significance for Dystrophic epidermolysis bullosa. Last evaluated: 2020-01-17. Review status: no assertion criteria provided. Collection method: clinical testing. Allele origin: germline. Not counted in ClinVar's aggregate classification.